The following is an entry in ClinVar:

NM_001122630.2(CDKN1C):c.137A>C (p.Asp46Ala)

Gene: CDKN1C (cyclin dependent kinase inhibitor 1C; minus strand). Cytogenetic location: 11p15.4.
Variant type: single nucleotide variant.
Coding change: c.137A>C on transcript NM_001122630.2 (MANE Select); coding-DNA position 137, A replaced by C.
Protein change: p.Asp46Ala; replaces aspartic acid 46 with alanine.
Molecular consequence: missense variant.
Genome position (GRCh38, 1-based): chr11:2,885,320, T>G on the plus strand (A>C on the coding strand, the complement: CDKN1C is on the minus strand). VCF-style: chr11-2885320-T-G. GRCh37 (hg19) VCF-style: chr11-2906550-T-G.
Other names: c.170A>C, p.Asp57Ala (NM_000076.2, NM_001362474.2); c.137A>C, p.Asp46Ala (NM_001122631.2, NM_001362475.2); short protein forms D46A, D57A.
Identifiers: ClinVar variation 1439231 (VCV001439231.8), dbSNP rs2133786030, ClinGen allele CA379147527.

ClinVar aggregate classification (germline): Uncertain significance (1 of 4 stars; one submission).

Conditions:
Beckwith-Wiedemann syndrome (BWS). Also called: EMG SYNDROME; Exomphalos macroglossia gigantism syndrome. Identifiers: Orphanet 116, MedGen C0004903, MONDO:0007534, OMIM 130650.

Submission:

Labcorp Genetics (formerly Invitae), Labcorp
Classification: Uncertain significance for Beckwith-Wiedemann syndrome. Last evaluated: 2021-06-28. Review status: criteria provided, single submitter. Criteria: Invitae Variant Classification Sherloc (09022015). Collection method: clinical testing. Allele origin: germline.
Comment: This variant is not present in population databases (ExAC no frequency). In summary, the available evidence is currently insufficient to determine the role of this variant in disease. Therefore, it has been classified as a Variant of Uncertain Significance. Algorithms developed to predict the effect of missense changes on protein structure and function (SIFT, PolyPhen-2, Align-GVGD) all suggest that this variant is likely to be disruptive, but these predictions have not been confirmed by published functional studies and their clinical significance is uncertain. This variant has not been reported in the literature in individuals with CDKN1C-related conditions. This sequence change replaces aspartic acid with alanine at codon 57 of the CDKN1C protein (p.Asp57Ala). The aspartic acid residue is highly conserved and there is a moderate physicochemical difference between aspartic acid and alanine.